The following is an entry in ClinVar:

ClinVar aggregate classification (germline): Uncertain significance. Review status: criteria provided, multiple submitters, no conflicts (2 of 4 stars). 3 submissions from 3 submitters: Uncertain significance (3). Last evaluated 2025-10-08.

Conditions:
Hereditary nonpolyposis colorectal neoplasms. Identifiers: MedGen C0009405, MeSH D003123.
Hereditary cancer-predisposing syndrome. Also called: Hereditary Cancer Syndrome; Hereditary neoplastic syndrome; Neoplastic Syndromes, Hereditary; Tumor predisposition. Identifiers: Orphanet 140162, MedGen C0027672, MeSH D009386, MONDO:0015356.

Allele frequency attached by ClinVar (database versions not stated): gnomAD exomes below 0.00001.
gnomAD v4.1: 3 of 1,604,028 alleles (0.00019%); highest among the groups gnomAD compares: Non-Finnish European, 0.00026%; no homozygotes.

Submissions (3):

Ambry Genetics
Classification: Uncertain significance for Hereditary cancer-predisposing syndrome. Last evaluated: 2025-10-08. Review status: criteria provided, single submitter. Criteria: Ambry Variant Classification Scheme 2023. Collection method: clinical testing. Allele origin: germline.
Comment: The p.I745M variant (also known as c.2235A>G), located in coding exon 13 of the PMS2 gene, results from an A to G substitution at nucleotide position 2235. The isoleucine at codon 745 is replaced by methionine, an amino acid with highly similar properties. This amino acid position is conserved. In addition, the in silico prediction for this alteration is inconclusive. Based on the available evidence, the clinical significance of this variant remains unclear.

Center for Genomic Medicine, Rigshospitalet, Copenhagen University Hospital
Classification: Uncertain significance. Last evaluated: 2025-03-04. Review status: criteria provided, single submitter. Criteria: ACMG Guidelines, 2015. Collection method: clinical testing. Allele origin: germline.

Labcorp Genetics (formerly Invitae), Labcorp
Classification: Uncertain significance for Hereditary nonpolyposis colorectal neoplasms. Last evaluated: 2022-11-10. Review status: criteria provided, single submitter. Criteria: Invitae Variant Classification Sherloc (09022015). Collection method: clinical testing. Allele origin: germline.
Comment: This sequence change replaces isoleucine, which is neutral and non-polar, with methionine, which is neutral and non-polar, at codon 745 of the PMS2 protein (p.Ile745Met). The frequency data for this variant in the population databases (gnomAD) is considered unreliable due to the presence of homologous sequence, such as pseudogenes or paralogs, in the genome. This variant has not been reported in the literature in individuals affected with PMS2-related conditions. ClinVar contains an entry for this variant (Variation ID: 455693). Advanced modeling of protein sequence and biophysical properties (such as structural, functional, and spatial information, amino acid conservation, physicochemical variation, residue mobility, and thermodynamic stability) performed at Invitae indicates that this missense variant is expected to disrupt PMS2 protein function. In summary, the available evidence is currently insufficient to determine the role of this variant in disease. Therefore, it has been classified as a Variant of Uncertain Significance.

NM_000535.7(PMS2):c.2235A>G (p.Ile745Met)

Gene: PMS2 (PMS1 homolog 2, mismatch repair system component; minus strand). Cytogenetic location: 7p22.1.
Variant type: single nucleotide variant.
Coding change: c.2235A>G on transcript NM_000535.7 (MANE Select); coding-DNA position 2235, A replaced by G.
Protein change: p.Ile745Met; replaces isoleucine 745 with methionine.
Molecular consequence: missense variant. On other transcripts: non-coding transcript variant (1).
Genome position (GRCh38, 1-based): chr7:5,978,636, T>C on the plus strand (A>G on the coding strand, the complement: PMS2 is on the minus strand). VCF-style: chr7-5978636-T-C. GRCh37 (hg19) VCF-style: chr7-6018267-T-C.
Other names: c.1830A>G, p.Ile610Met (NM_001322003.2, NM_001322004.2, NM_001322005.2 and 1 more transcripts); c.2079A>G, p.Ile693Met (NM_001322006.2); c.1917A>G, p.Ile639Met (NM_001322007.2, NM_001322008.2); c.1674A>G, p.Ile558Met (NM_001322010.2); c.1302A>G, p.Ile434Met (NM_001322011.2, NM_001322012.2); c.1662A>G, p.Ile554Met (NM_001322013.2); c.2235A>G, p.Ile745Met (NM_001322014.2); c.1926A>G, p.Ile642Met (NM_001322015.2); short protein forms I745M, I434M, I554M, I558M, I642M, I610M, I639M, I693M.
Identifiers: ClinVar variation 455693 (VCV000455693.17), dbSNP rs1554294453, ClinGen allele CA366736659.